The following is an entry in ClinVar:

ClinVar aggregate classification (germline): Uncertain significance (1 of 4 stars; one submission).

Allele frequency attached by ClinVar (database versions not stated): gnomAD exomes 0.00002; ExAC 0.00004.
gnomAD v4.1: 24 of 1,594,258 alleles (0.0015%); highest among the groups gnomAD compares: Non-Finnish European, 0.002%; no homozygotes.

Submission:

Labcorp Genetics (formerly Invitae), Labcorp
Classification: Uncertain significance. Last evaluated: 2023-08-27. Review status: criteria provided, single submitter. Criteria: Invitae Variant Classification Sherloc (09022015). Collection method: clinical testing. Allele origin: germline.
Comment: This sequence change replaces serine, which is neutral and polar, with proline, which is neutral and non-polar, at codon 656 of the SCNN1A protein (p.Ser656Pro). This variant is present in population databases (rs752223228, gnomAD 0.005%). This variant has not been reported in the literature in individuals affected with SCNN1A-related conditions. An algorithm developed to predict the effect of missense changes on protein structure and function (PolyPhen-2) suggests that this variant is likely to be tolerated. In summary, the available evidence is currently insufficient to determine the role of this variant in disease. Therefore, it has been classified as a Variant of Uncertain Significance.

NM_001038.6(SCNN1A):c.1966T>C (p.Ser656Pro)

Gene: SCNN1A (sodium channel epithelial 1 subunit alpha; minus strand). Cytogenetic location: 12p13.31.
Variant type: single nucleotide variant.
Coding change: c.1966T>C on transcript NM_001038.6 (MANE Select); coding-DNA position 1966, T replaced by C.
Protein change: p.Ser656Pro; replaces serine 656 with proline.
Molecular consequence: missense variant.
Genome position (GRCh38, 1-based): chr12:6,347,917, A>G on the plus strand (T>C on the coding strand, the complement: SCNN1A is on the minus strand). VCF-style: chr12-6347917-A-G. GRCh37 (hg19) VCF-style: chr12-6457083-A-G.
Other names: c.2035T>C, p.Ser679Pro (NM_001159575.2); c.2143T>C, p.Ser715Pro (NM_001159576.2); short protein forms S656P, S715P, S679P.
Identifiers: ClinVar variation 2793897 (VCV002793897.3), dbSNP rs752223228, ClinGen allele CA6405677.